The following is an entry in ClinVar:

NM_000487.6(ARSA):c.1136C>G (p.Pro379Arg)

Gene: ARSA (arylsulfatase A; minus strand). Cytogenetic location: 22q13.33.
Variant type: single nucleotide variant.
Coding change: c.1136C>G on transcript NM_000487.6 (MANE Select); coding-DNA position 1136, C replaced by G.
Protein change: p.Pro379Arg; replaces proline 379 with arginine.
Molecular consequence: missense variant.
Genome position (GRCh38, 1-based): chr22:50,625,653, G>C on the plus strand (C>G on the coding strand, the complement: ARSA is on the minus strand). VCF-style: chr22-50625653-G-C. GRCh37 (hg19) VCF-style: chr22-51064081-G-C.
Other names: c.1136C>G, p.Pro379Arg (NM_001085425.3, NM_001085426.3, NM_001085427.3); c.878C>G, p.Pro293Arg (NM_001085428.3, NM_001362782.2); short protein forms P293R, P379R.
Identifiers: ClinVar variation 4887407 (VCV004887407.1).
Genomic context (GRCh38, chr22:50,625,653, plus strand): 5'-TGAGCCTTGTACTTTCCAGTCCGCACAGCAAAAACCCCACGGACCTCGTCTGGGTAGGAC[G>C]GGTAGAAGAAGAGAGACTGCCGAGGGCTCTGGGGGCAGAGTCAGGGGTCACGGGGCGGGG-3'
Protein context (NP_000478.3, residues 369-389): KSPRQSLFFY[Pro379Arg]SYPDEVRGVF

ClinVar aggregate classification (germline): Uncertain significance (1 of 4 stars; one submission).

Submission:

Women's Health and Genetics/Laboratory Corporation of America, LabCorp
Classification: Uncertain significance. Last evaluated: 2026-06-09. Review status: criteria provided, single submitter. Criteria: LabCorp Variant Classification Summary - May 2015. Collection method: clinical testing. Allele origin: germline.
Comment: Variant summary: ARSA c.1136C>G (p.Pro379Arg) results in a non-conservative amino acid change in the encoded protein sequence. Algorithms developed to predict the effect of missense changes on protein structure and function all suggest that this variant is likely to be disruptive. The variant was absent in 250868 control chromosomes. The available data on variant occurrences in the general population are insufficient to allow any conclusion about variant significance. To our knowledge, no occurrence of c.1136C>G in individuals affected with ARSA-related conditions and no experimental evidence demonstrating its impact on protein function have been reported. No submitters have cited clinical-significance assessments for this variant to ClinVar. Based on the evidence outlined above, the variant was classified as uncertain significance.